The following is an entry in ClinVar:

NM_000368.5(TSC1):c.2299del (p.Gln767fs)

Gene: TSC1 (TSC complex subunit 1; minus strand). Cytogenetic location: 9q34.13.
Variant type: Deletion.
Coding change: c.2299del on transcript NM_000368.5 (MANE Select); coding-DNA position 2299, one base deleted (C; older notation c.2299delC).
Protein change: p.Gln767fs; shifts the reading frame from glutamine 767.
Molecular consequence: frameshift variant. On other transcripts: non-coding transcript variant (5).
Genome position (GRCh38, 1-based): chr9:132,902,697, G deleted on the plus strand (C on the coding strand, the reverse complement: TSC1 is on the minus strand). VCF-style (leftmost placement, unchanged base first): chr9-132902696-TG-T. GRCh37 (hg19) VCF-style: chr9-135778083-TG-T.
Other names: c.2296del, p.Gln766fs (NM_001162426.2, NM_001406597.1, NM_001406598.1 and 4 more transcripts); c.2146del, p.Gln716fs (NM_001162427.2, NM_001406610.1); c.1936del, p.Gln646fs (NM_001362177.2, NM_001406614.1, NM_001406615.1 and 5 more transcripts); c.2299del, p.Gln767fs (NM_001406592.1, NM_001406593.1, NM_001406594.1 and 5 more transcripts); c.2284del, p.Gln762fs (NM_001406601.1, NM_001406602.1); c.2281del, p.Gln761fs (NM_001406603.1, NM_001406604.1); c.2143del, p.Gln715fs (NM_001406611.1, NM_001406612.1, NM_001406613.1); c.1933del, p.Gln645fs (NM_001406620.1, NM_001406621.1, NM_001406622.1 and 2 more transcripts); and 3 more; short protein forms Q416fs, Q449fs, Q450fs, Q645fs, Q646fs, Q715fs, Q716fs, Q761fs.
Identifiers: ClinVar variation 4822948 (VCV004822948.4).

ClinVar aggregate classification (germline): Pathogenic (1 of 4 stars; one submission).

Submission:

CeGaT Center for Human Genetics Tuebingen
Classification: Pathogenic. Last evaluated: 2026-01-01. Review status: criteria provided, single submitter. Criteria: CeGaT Center For Human Genetics Tuebingen Variant Classification Criteria Version 2. Collection method: clinical testing. Allele origin: germline. Affected: yes. Observed: 1 variant allele.
Comment: TSC1: PVS1, PM2